The following is an entry in ClinVar:

NM_000701.8(ATP1A1):c.821C>T (p.Ala274Val)

Gene: ATP1A1 (ATPase Na+/K+ transporting subunit alpha 1; plus strand). Cytogenetic location: 1p13.1.
Variant type: single nucleotide variant.
Coding change: c.821C>T on transcript NM_000701.8 (MANE Select); coding-DNA position 821, C replaced by T.
Protein change: p.Ala274Val; replaces alanine 274 with valine.
Molecular consequence: missense variant.
Genome position (GRCh38, 1-based): chr1:116,389,505, C>T. VCF-style: chr1-116389505-C-T. GRCh37 (hg19) VCF-style: chr1-116932127-C-T.
Other names: c.821C>T, p.Ala274Val (NM_001160233.2); c.728C>T, p.Ala243Val (NM_001160234.2); short protein forms A243V, A274V.
Identifiers: ClinVar variation 1706403 (VCV001706403.2), dbSNP rs2525834257, ClinGen allele CA341843716.

ClinVar aggregate classification (germline): Uncertain significance (1 of 4 stars; one submission).

Allele frequency attached by ClinVar (database versions not stated): gnomAD exomes below 0.00001.
gnomAD v4.1: 1 of 1,614,188 alleles (0.000062%); highest among the groups gnomAD compares: Non-Finnish European, 0.000085%; no homozygotes.

Submission:

GeneDx
Classification: Uncertain significance. Last evaluated: 2022-02-20. Review status: criteria provided, single submitter. Criteria: GeneDx Variant Classification Process June 2021. Collection method: clinical testing. Allele origin: germline. Affected: yes.
Comment: Not observed at significant frequency in large population cohorts (gnomAD); In silico analysis supports that this missense variant has a deleterious effect on protein structure/function; Has not been previously published as pathogenic or benign to our knowledge